The following is an entry in ClinVar:

ClinVar aggregate classification (germline): Uncertain significance (1 of 4 stars; one submission).

Allele frequency attached by ClinVar (database versions not stated): ExAC 0.00005; TOPMed 0.00005; gnomAD 0.00006 and 0.00007; gnomAD exomes 0.00006 and 0.00009; 1000 Genomes Project 30x 0.00016; 1000 Genomes Project 0.00020.
gnomAD v4.1: 98 of 1,614,204 alleles (0.0061%); highest among the groups gnomAD compares: Admixed American, 0.022%; no homozygotes.

Submission:

Labcorp Genetics (formerly Invitae), Labcorp
Classification: Uncertain significance. Last evaluated: 2023-08-17. Review status: criteria provided, single submitter. Criteria: Invitae Variant Classification Sherloc (09022015). Collection method: clinical testing. Allele origin: germline.
Comment: This variant is present in population databases (rs201377296, gnomAD 0.03%). This sequence change replaces arginine, which is basic and polar, with histidine, which is basic and polar, at codon 538 of the DSCAML1 protein (p.Arg538His). In summary, the available evidence is currently insufficient to determine the role of this variant in disease. Therefore, it has been classified as a Variant of Uncertain Significance. An algorithm developed to predict the effect of missense changes on protein structure and function (PolyPhen-2) suggests that this variant is likely to be disruptive. ClinVar contains an entry for this variant (Variation ID: 1412149). This variant has not been reported in the literature in individuals affected with DSCAML1-related conditions.

NM_020693.4(DSCAML1):c.1433G>A (p.Arg478His)

Gene: DSCAML1 (DS cell adhesion molecule like 1; minus strand). Cytogenetic location: 11q23.3.
Variant type: single nucleotide variant.
Coding change: c.1433G>A on transcript NM_020693.4 (MANE Select); coding-DNA position 1433, G replaced by A.
Protein change: p.Arg478His; replaces arginine 478 with histidine.
Molecular consequence: missense variant.
Genome position (GRCh38, 1-based): chr11:117,518,543, C>T on the plus strand (G>A on the coding strand, the complement: DSCAML1 is on the minus strand). VCF-style: chr11-117518543-C-T. GRCh37 (hg19) VCF-style: chr11-117389258-C-T.
Other names: c.1433G>A, p.Arg478His (NM_001367904.1); c.1025G>A, p.Arg342His (NM_001367905.1); short protein forms R342H, R478H.
Identifiers: ClinVar variation 1412149 (VCV001412149.6), dbSNP rs201377296, ClinGen allele CA6297265.
Genomic context (GRCh38, chr11:117,518,543, plus strand): 5'-GCCTGATATTCAGCACTGCCCACCAAGTTCCGCGCTGTGCACCGGTACACGCCCCCGTCG[C>T]GGATCTGGGGGCCTGTGACGTTCATGTGGCTGATGGTGGTGCCGTCCGACATGGTGTACT-3'
Protein context (NP_065744.3, residues 468-488): SHMNVTGPQI[Arg478His]DGGVYRCTAR